The following is an entry in ClinVar:

NM_017780.4(CHD7):c.3202-5T>C

Gene: CHD7 (chromodomain helicase DNA binding protein 7; plus strand). Cytogenetic location: 8q12.2.
Variant type: single nucleotide variant.
Coding change: c.3202-5T>C on transcript NM_017780.4 (MANE Select); 5 bases into the intron before coding-DNA position 3202, T replaced by C.
Molecular consequence: intron variant.
Genome position (GRCh38, 1-based): chr8:60,823,835, T>C. VCF-style: chr8-60823835-T-C. GRCh37 (hg19) VCF-style: chr8-61736394-T-C.
Other names: c.3202-5T>C (LRG_176t1); c.1717-38394T>C (NM_001316690.1).
Identifiers: ClinVar variation 95784 (VCV000095784.29), dbSNP rs147994149, ClinGen allele CA148862.

ClinVar aggregate classification (germline): Benign/Likely benign. Review status: criteria provided, multiple submitters, no conflicts (2 of 4 stars). 10 submissions from 10 submitters: Benign (5); Likely benign (3). 2 of the submissions do not count toward it. Last evaluated 2026-01-27.

Conditions:
Inborn genetic diseases. Identifiers: MedGen C0950123, MeSH D030342.
Hypogonadotropic hypogonadism 5 with or without anosmia (KAL5). Also called: CHD7-Related GnRH Deficiency (Kallmann Syndrome 5); HYPOGONADOTROPIC HYPOGONADISM 5 WITH ANOSMIA; HYPOGONADOTROPHIC HYPOGONADISM 5 WITHOUT ANOSMIA. Identifiers: Orphanet 478, MedGen C3552553, MONDO:0012880, OMIM 612370. Disease mechanism: loss of function.
CHARGE syndrome (CHARGE). Also called: CHARGE ASSOCIATION--COLOBOMA, HEART ANOMALY, CHOANAL ATRESIA, RETARDATION, GENITAL AND EAR ANOMALIES; Hittner Hirsch Kreh syndrome; Coloboma, heart anomaly, choanal atresia, retardation, genital and ear anomalies; CHARGE association; Hall-Hittner syndrome. Identifiers: Orphanet 138, MedGen C0265354, MONDO:0008965.

Allele frequency attached by ClinVar (database versions not stated): 1000 Genomes Project 0.00459; ESP Exome Variant Server 0.00008; gnomAD exomes 0.00222 and 0.00122; gnomAD 0.00076 and 0.00119; TOPMed 0.00153; ExAC 0.00238; 1000 Genomes Project 30x 0.00437.
gnomAD v4.1: 1,953 of 1,612,494 alleles (0.12%); highest among the groups gnomAD compares: East Asian, 3.4%; 37 homozygotes.

Submissions (10):

Labcorp Genetics (formerly Invitae), Labcorp
Classification: Benign for CHARGE syndrome. Last evaluated: 2026-01-27. Review status: criteria provided, single submitter. Criteria: Invitae Variant Classification Sherloc (09022015). Collection method: clinical testing. Allele origin: germline.

Blueprint Genetics
Classification: Likely benign. Last evaluated: 2024-10-03. Review status: criteria provided, single submitter. Criteria: ACMG Guidelines, 2015. Collection method: clinical testing. Allele origin: germline.

Fulgent Genetics
Classification: Likely benign for CHD7-related CHARGE syndrome; Hypogonadotropic hypogonadism 5 with or without anosmia. Last evaluated: 2021-07-27. Review status: criteria provided, single submitter. Criteria: ACMG Guidelines, 2015. Collection method: clinical testing. Allele origin: unknown.

GeneDx
Classification: Benign. Last evaluated: 2018-12-24. Review status: criteria provided, single submitter. Criteria: GeneDx Variant Classification Process June 2021. Collection method: clinical testing. Allele origin: germline. Affected: yes.
Comment: This variant is associated with the following publications: (PMID: 32369273, 22461308, 24416387, 23341491, 25472840, 19065520, 25525159, 23533228)

Illumina Laboratory Services, Illumina
Classification: Likely benign for Kallmann Syndrome 5. Last evaluated: 2017-04-27. Review status: criteria provided, single submitter. Criteria: ICSL Variant Classification Criteria 13 December 2019. Collection method: clinical testing. Allele origin: germline.
Comment: This variant was observed as part of a predisposition screen in an ostensibly healthy population. A literature search was performed for the gene, cDNA change, and amino acid change (where applicable). No publications were found based on this search. Allele frequency data from public databases allowed determination this variant is unlikely to cause disease. Therefore, this variant is classified as likely benign.

Genomic Diagnostic Laboratory, Division of Genomic Diagnostics, Children's Hospital of Philadelphia
Classification: Benign for CHARGE syndrome. Last evaluated: 2016-09-05. Review status: criteria provided, single submitter. Criteria: DGD Variant Analysis Guidelines. Collection method: clinical testing. Allele origin: germline. Affected: yes. Observed: 1 variant allele.
Comment: Clinical Testing

Ambry Genetics
Classification: Benign for Inborn genetic diseases. Last evaluated: 2016-06-14. Review status: criteria provided, single submitter. Criteria: Ambry Variant Classification Scheme 2023. Collection method: clinical testing. Allele origin: germline.

Eurofins Ntd Llc (ga)
Classification: Benign. Last evaluated: 2015-03-26. Review status: criteria provided, single submitter. Criteria: EGL Classification Definitions 2015. Collection method: clinical testing. Allele origin: germline. Observed: 1 variant allele, 1 heterozygote.

Clinical Genetics DNA and cytogenetics Diagnostics Lab, Erasmus MC, Erasmus Medical Center
Classification: Benign. Review status: no assertion criteria provided. Collection method: clinical testing. Allele origin: germline. Affected: yes. Study: VKGL Data-share Consensus. Not counted in ClinVar's aggregate classification.

Joint Genome Diagnostic Labs from Nijmegen and Maastricht, Radboudumc and MUMC+
Classification: Likely benign. Review status: no assertion criteria provided. Collection method: clinical testing. Allele origin: germline. Affected: yes. Study: VKGL Data-share Consensus. Not counted in ClinVar's aggregate classification.